The following is an entry in ClinVar:

ClinVar aggregate classification (germline): Uncertain significance. Review status: criteria provided, multiple submitters, no conflicts (2 of 4 stars). 2 submissions from 2 submitters: Uncertain significance (2). Last evaluated 2026-07-06.

Conditions:
Hereditary cancer-predisposing syndrome. Also called: Hereditary Cancer Syndrome; Neoplastic Syndromes, Hereditary; Hereditary neoplastic syndrome; Tumor predisposition. Identifiers: Orphanet 140162, MedGen C0027672, MeSH D009386, MONDO:0015356.

Submissions (2):

Ambry Genetics
Classification: Uncertain significance for Hereditary cancer-predisposing syndrome. Last evaluated: 2026-07-06. Review status: criteria provided, single submitter. Criteria: Ambry Variant Classification Scheme 2023. Collection method: clinical testing. Allele origin: germline.
Comment: The p.S372P variant (also known as c.1114T>C), located in coding exon 7 of the MSH3 gene, results from a T to C substitution at nucleotide position 1114. The serine at codon 372 is replaced by proline, an amino acid with similar properties. This amino acid position is conserved. In addition, the in silico prediction for this alteration is inconclusive. Based on the available evidence, the clinical significance of this variant remains unclear.

Labcorp Genetics (formerly Invitae), Labcorp
Classification: Uncertain significance. Last evaluated: 2022-01-07. Review status: criteria provided, single submitter. Criteria: Invitae Variant Classification Sherloc (09022015). Collection method: clinical testing. Allele origin: germline.
Comment: In summary, the available evidence is currently insufficient to determine the role of this variant in disease. Therefore, it has been classified as a Variant of Uncertain Significance. Algorithms developed to predict the effect of missense changes on protein structure and function are either unavailable or do not agree on the potential impact of this missense change (SIFT: "Tolerated"; PolyPhen-2: "Possibly Damaging"; Align-GVGD: "Class C0"). This variant has not been reported in the literature in individuals affected with MSH3-related conditions. This variant is not present in population databases (gnomAD no frequency). This sequence change replaces serine, which is neutral and polar, with proline, which is neutral and non-polar, at codon 372 of the MSH3 protein (p.Ser372Pro).

NM_002439.5(MSH3):c.1114T>C (p.Ser372Pro)

Gene: MSH3 (mutS homolog 3; plus strand). Cytogenetic location: 5q14.1.
Variant type: single nucleotide variant.
Coding change: c.1114T>C on transcript NM_002439.5 (MANE Select); coding-DNA position 1114, T replaced by C.
Protein change: p.Ser372Pro; replaces serine 372 with proline.
Molecular consequence: missense variant.
Genome position (GRCh38, 1-based): chr5:80,675,069, T>C. VCF-style: chr5-80675069-T-C. GRCh37 (hg19) VCF-style: chr5-79970888-T-C.
Other names: c.1114T>C (NM_002439.3); short protein forms S372P.
Identifiers: ClinVar variation 1373277 (VCV001373277.9), dbSNP rs1225123305, ClinGen allele CA360268139.